The following is an entry in ClinVar:

ClinVar aggregate classification (germline): Pathogenic. Review status: criteria provided, single submitter (1 of 4 stars). 2 submissions from 2 submitters: Pathogenic (1). 1 of the submissions does not count toward it. Last evaluated 2018-12-06.

Conditions:
Dias-Logan syndrome. Also called: INTELLECTUAL DEVELOPMENTAL DISORDER WITH HEREDITARY PERSISTENCE OF FETAL HEMOGLOBIN; Intellectual developmental disorder with persistence of fetal hemoglobin. Identifiers: Orphanet 619233, MedGen C4310833, MONDO:0014914, OMIM 617101.

Submissions (2):

GeneDx
Classification: Pathogenic. Last evaluated: 2018-12-06. Review status: criteria provided, single submitter. Criteria: GeneDx Variant Classification (06012015). Collection method: clinical testing. Allele origin: germline. Affected: yes.
Comment: The Q177X variant in the BCL11A gene has been reported previously as a de novo variant in an individual with moderate intellectual disability, microcephaly, strabismus, and dysmorphic features (Dias et al., 2016). This variant is predicted to cause loss of normal protein function through protein truncation as the last 659 amino acids of the protein are lost. The Q177X variant is not observed in large population cohorts (Lek et al., 2016). We interpret Q177X as a pathogenic variant.

OMIM
Classification: Pathogenic for INTELLECTUAL DEVELOPMENTAL DISORDER WITH PERSISTENCE OF FETAL HEMOGLOBIN. Last evaluated: 2016-08-30. Review status: no assertion criteria provided. Collection method: literature only. Allele origin: germline. Not counted in ClinVar's aggregate classification.

Literature cited by the submitters: PubMed 27453576 (cited by OMIM).

NM_022893.4(BCL11A):c.529C>T (p.Gln177Ter)

Gene: BCL11A (BCL11 transcription factor A; minus strand). Cytogenetic location: 2p16.1.
Variant type: single nucleotide variant.
Coding change: c.529C>T on transcript NM_022893.4 (MANE Select); coding-DNA position 529, C replaced by T.
Protein change: p.Gln177Ter; replaces glutamine 177 with a stop codon.
Molecular consequence: nonsense.
Genome position (GRCh38, 1-based): chr2:60,462,383, G>A on the plus strand (C>T on the coding strand, the complement: BCL11A is on the minus strand). VCF-style: chr2-60462383-G-A. GRCh37 (hg19) VCF-style: chr2-60689518-G-A.
Other names: c.427C>T, p.Gln143Ter (NM_001363864.1, NM_001365609.1); c.529C>T, p.Gln177Ter (NM_018014.4, NM_138559.2); short protein forms Q177*, Q143*.
Identifiers: ClinVar variation 503758 (VCV000503758.23), dbSNP rs1553403736, ClinGen allele CA347040000.